The following is an entry in ClinVar:

ClinVar aggregate classification (germline): Likely benign. Review status: criteria provided, multiple submitters, no conflicts (2 of 4 stars). 2 submissions from 2 submitters: Likely benign (2). Last evaluated 2024-01-01.

Conditions:
Inborn genetic diseases. Identifiers: MedGen C0950123, MeSH D030342.

Submissions (2):

CeGaT Center for Human Genetics Tuebingen
Classification: Likely benign. Last evaluated: 2024-01-01. Review status: criteria provided, single submitter. Criteria: CeGaT Center For Human Genetics Tuebingen Variant Classification Criteria Version 2. Collection method: clinical testing. Allele origin: germline. Affected: yes. Observed: 1 variant allele.
Comment: TUSC3: PM2:Supporting, BP4, BP7

Ambry Genetics
Classification: Likely benign for Inborn genetic diseases. Last evaluated: 2019-11-11. Review status: criteria provided, single submitter. Criteria: Ambry Variant Classification Scheme 2023. Collection method: clinical testing. Allele origin: germline.

NM_006765.4(TUSC3):c.255C>G (p.Ser85=)

Gene: TUSC3 (tumor suppressor candidate 3; plus strand). Cytogenetic location: 8p22.
Variant type: single nucleotide variant.
Coding change: c.255C>G on transcript NM_006765.4 (MANE Select); coding-DNA position 255, C replaced by G.
Protein change: p.Ser85=; no amino-acid change (serine 85 retained).
Molecular consequence: synonymous variant. On other transcripts: 5 prime UTR variant (1), non-coding transcript variant (5), intron variant (1).
Genome position (GRCh38, 1-based): chr8:15,623,196, C>G. VCF-style: chr8-15623196-C-G. GRCh37 (hg19) VCF-style: chr8-15480705-C-G.
Other names: c.255C>G, p.Ser85= (NM_001356429.2, NM_001413583.1, NM_001413673.1 and 17 more transcripts); c.87C>G, p.Ser29= (NM_001413669.1, NM_001413671.1, NM_001413672.1); c.195C>G, p.Ser65= (NM_001413670.1); c.-60C>G (NM_001413677.1); c.-79-27501C>G (NM_001413678.1).
Identifiers: ClinVar variation 1793062 (VCV001793062.24), dbSNP rs762542037, ClinGen allele CA4640340.